The following is an entry in ClinVar:

NM_001365999.1(SZT2):c.9074T>C (p.Leu3025Pro)

Gene: SZT2 (SZT2 subunit of KICSTOR complex; plus strand). Cytogenetic location: 1p34.2.
Variant type: single nucleotide variant.
Coding change: c.9074T>C on transcript NM_001365999.1 (MANE Select); coding-DNA position 9074, T replaced by C.
Protein change: p.Leu3025Pro; replaces leucine 3025 with proline.
Molecular consequence: missense variant.
Genome position (GRCh38, 1-based): chr1:43,446,956, T>C. VCF-style: chr1-43446956-T-C. GRCh37 (hg19) VCF-style: chr1-43912627-T-C.
Other names: c.8903T>C, p.Leu2968Pro (NM_015284.4); short protein forms L3025P, L2968P.
Identifiers: ClinVar variation 848890 (VCV000848890.9), dbSNP rs1655746919, ClinGen allele CA340042207.
Genomic context (GRCh38, chr1:43,446,956, plus strand): 5'-TGTTTTGGGCAGCCAGTGCAGCCATACCTTAACCCTGTCTCCTGCTGCTGCCTCCCCAGC[T>C]GTCCATGCTGTTCACAGAGGAGTGTGACAAGGTGCGGGACCTGATGCACGTGCACTCGTT-3'
Protein context (NP_001352928.1, residues 3015-3035): IPMGQAVNSQ[Leu3025Pro]SMLFTEECDK

ClinVar aggregate classification (germline): Uncertain significance (1 of 4 stars; one submission).

Submission:

Labcorp Genetics (formerly Invitae), Labcorp
Classification: Uncertain significance. Last evaluated: 2022-06-13. Review status: criteria provided, single submitter. Criteria: Invitae Variant Classification Sherloc (09022015). Collection method: clinical testing. Allele origin: germline.
Comment: This sequence change replaces leucine, which is neutral and non-polar, with proline, which is neutral and non-polar, at codon 2968 of the SZT2 protein (p.Leu2968Pro). This variant is not present in population databases (gnomAD no frequency). This variant has not been reported in the literature in individuals affected with SZT2-related conditions. ClinVar contains an entry for this variant (Variation ID: 848890). Algorithms developed to predict the effect of missense changes on protein structure and function are either unavailable or do not agree on the potential impact of this missense change (SIFT: "Tolerated"; PolyPhen-2: "Probably Damaging"; Align-GVGD: "Class C0"). In summary, the available evidence is currently insufficient to determine the role of this variant in disease. Therefore, it has been classified as a Variant of Uncertain Significance.